The following is an entry in ClinVar:

ClinVar aggregate classification (germline): Likely benign. Review status: criteria provided, multiple submitters, no conflicts (2 of 4 stars). 5 submissions from 5 submitters: Likely benign (4). 1 of the submissions does not count toward it. Last evaluated 2025-12-14.

Conditions:
Cardiovascular phenotype. Identifiers: MedGen CN230736.
CACNA1C-related disorder. Also called: CACNA1C-related condition; CACNA1C-related disorders. Identifiers: MedGen CN381092, MONDO:0700321.
Long QT syndrome (LQTS). Identifiers: MedGen C0023976, MeSH D008133, MONDO:0002442. Disease mechanism: loss of function. Inheritance: Various modes of inheritance.

Allele frequency attached by ClinVar (database versions not stated): gnomAD 0.00001; TOPMed 0.00001.
gnomAD v4.1: 47 of 1,585,278 alleles (0.003%); highest among the groups gnomAD compares: Middle Eastern, 0.05%; no homozygotes.

Submissions (5):

Labcorp Genetics (formerly Invitae), Labcorp
Classification: Likely benign for Long QT syndrome. Last evaluated: 2025-12-14. Review status: criteria provided, single submitter. Criteria: Invitae Variant Classification Sherloc (09022015). Collection method: clinical testing. Allele origin: germline.

Molecular Diagnostic Laboratory for Inherited Cardiovascular Disease, Montreal Heart Institute
Classification: Likely benign. Last evaluated: 2025-04-09. Review status: criteria provided, single submitter. Criteria: ACMG Guidelines, 2015. Collection method: clinical testing. Allele origin: germline. Affected: no.

Ambry Genetics
Classification: Likely benign for Cardiovascular phenotype. Last evaluated: 2023-01-12. Review status: criteria provided, single submitter. Criteria: Ambry Variant Classification Scheme 2023. Collection method: clinical testing. Allele origin: germline.

CeGaT Center for Human Genetics Tuebingen
Classification: Likely benign. Last evaluated: 2022-07-01. Review status: criteria provided, single submitter. Criteria: CeGaT Center For Human Genetics Tuebingen Variant Classification Criteria Version 2. Collection method: clinical testing. Allele origin: germline. Affected: yes. Observed: 1 variant allele.
Comment: CACNA1C: BP4, BP7

PreventionGenetics, part of Exact Sciences
Classification: Likely benign for CACNA1C-related condition. Last evaluated: 2019-07-12. Review status: no assertion criteria provided. Collection method: clinical testing. Allele origin: germline. Not counted in ClinVar's aggregate classification.
Comment: This variant is classified as likely benign based on ACMG/AMP sequence variant interpretation guidelines (Richards et al. 2015 PMID: 25741868, with internal and published modifications).

NM_000719.7(CACNA1C):c.153G>A (p.Ser51=)

Gene: CACNA1C (calcium voltage-gated channel subunit alpha1 C; plus strand). Cytogenetic location: 12p13.33.
Variant type: single nucleotide variant.
Coding change: c.153G>A on transcript NM_000719.7 (MANE Select); coding-DNA position 153, G replaced by A.
Protein change: p.Ser51=; no amino-acid change (serine 51 retained).
Molecular consequence: synonymous variant.
Genome position (GRCh38, 1-based): chr12:2,115,327, G>A. VCF-style: chr12-2115327-G-A. GRCh37 (hg19) VCF-style: chr12-2224493-G-A.
Other names: c.153G>A, p.Ser51= (NM_001129827.2, NM_001129829.2, NM_001129830.3 and 19 more transcripts).
Identifiers: ClinVar variation 216481 (VCV000216481.40), dbSNP rs563315606, ClinGen allele CA337897.